The following is an entry in ClinVar:

NM_001379200.1(TBX1):c.1203_1222dup (p.Glu408fs)

Gene: TBX1 (T-box transcription factor 1; plus strand). Cytogenetic location: 22q11.21.
Variant type: Duplication.
Coding change: c.1203_1222dup on transcript NM_001379200.1 (MANE Select); coding-DNA positions 1203 to 1222, 20 bases duplicated (GCCCAGTCCCCCGAACCCCG).
Protein change: p.Glu408fs; shifts the reading frame from glutamic acid 408.
Molecular consequence: frameshift variant. On other transcripts: intron variant (2).
Genome position (GRCh38, 1-based): chr22:19,766,555-19,766,574, GCCCAGTCCCCCGAACCCCG duplicated; duplicating any 20 consecutive bases within chr22:19,766,552-19,766,574 gives the same sequence; the c. name uses the placement nearest the transcript's 3' end. VCF-style (leftmost placement, unchanged base first): chr22-19766551-G-GCCGGCCCAGTCCCCCGAACC. GRCh37 (hg19) VCF-style: chr22-19754074-G-GCCGGCCCAGTCCCCCGAACC.
Other names: c.1176_1195dupGCCCAGTCCCCCGAACCCCG (NM_080647.1); c.1176_1195dup, p.Glu399fs (NM_080647.1); c.1009+553_1009+572dup (NM_005992.1, NM_080646.2); short protein forms E399fs, E408fs.
Identifiers: ClinVar variation 373046 (VCV000373046.2), dbSNP rs1057518168, ClinGen allele CA16043162.

ClinVar aggregate classification (germline): Pathogenic (1 of 4 stars; one submission).

Submission:

GeneDx
Classification: Pathogenic. Last evaluated: 2016-10-17. Review status: criteria provided, single submitter. Criteria: GeneDx Variant Classification (06012015). Collection method: clinical testing. Allele origin: germline. Affected: yes.
Comment: The c.1176_1195dup20 pathogenic variant in the TBX1 gene has not been published as a pathogenic variant, nor has it been reported as a benign variant to our knowledge. It causes a frameshift starting with codon Glutamic acid 399, changes this amino acid to a Glycine residue and creates a premature Stop codon at position 68 of the new reading frame, denoted p.Glu399GlyfsX68. The variant was not observed in approximately 6,500 individuals of European and African American ancestry in the NHLBI Exome Sequencing Project, indicating it is not a common benign variant in these populations. This pathogenic variant is predicted to cause loss of normal protein function either through protein truncation or nonsense-mediated mRNA decay.